The following is an entry in ClinVar:

NM_032043.3(BRIP1):c.3010A>C (p.Ser1004Arg)

Gene: BRIP1 (BRCA1 interacting DNA helicase 1; minus strand). Cytogenetic location: 17q23.2.
Variant type: single nucleotide variant.
Coding change: c.3010A>C on transcript NM_032043.3 (MANE Select); coding-DNA position 3010, A replaced by C.
Protein change: p.Ser1004Arg; replaces serine 1004 with arginine.
Molecular consequence: missense variant.
Genome position (GRCh38, 1-based): chr17:61,684,036, T>G on the plus strand (A>C on the coding strand, the complement: BRIP1 is on the minus strand). VCF-style: chr17-61684036-T-G. GRCh37 (hg19) VCF-style: chr17-59761397-T-G.
Other names: short protein forms S1004R.
Identifiers: ClinVar variation 1798807 (VCV001798807.2), dbSNP rs2144091448, ClinGen allele CA400480000.
Genomic context (GRCh38, chr17:61,684,036, plus strand): 5'-CGAGCTCAGGTGTTGCCTTCGGTATTTTACCAGTAAAATACTGTCCCAAAGAATTAAAGC[T>G]TGACCAGCTAACTCTCTTTGTTTGTTTGTTGAAAGTTGGGCTTGTGGATCTGGAAATCAC-3'
Protein context (NP_114432.2, residues 994-1014): NKQTKRVSWS[Ser1004Arg]FNSLGQYFTG

ClinVar aggregate classification (germline): Uncertain significance (1 of 4 stars; one submission).

Conditions:
Hereditary cancer-predisposing syndrome. Also called: Neoplastic Syndromes, Hereditary; Tumor predisposition; Hereditary Cancer Syndrome; Hereditary neoplastic syndrome. Identifiers: Orphanet 140162, MedGen C0027672, MeSH D009386, MONDO:0015356.

Allele frequency attached by ClinVar (database versions not stated): gnomAD exomes below 0.00001.
gnomAD v4.1: 1 of 1,614,080 alleles (0.000062%); highest among the groups gnomAD compares: Non-Finnish European, 0.000085%; no homozygotes.

Submission:

Ambry Genetics
Classification: Uncertain significance for Hereditary cancer-predisposing syndrome. Last evaluated: 2022-10-21. Review status: criteria provided, single submitter. Criteria: Ambry Variant Classification Scheme 2023. Collection method: clinical testing. Allele origin: germline.
Comment: The p.S1004R variant (also known as c.3010A>C), located in coding exon 19 of the BRIP1 gene, results from an A to C substitution at nucleotide position 3010. The serine at codon 1004 is replaced by arginine, an amino acid with dissimilar properties. This amino acid position is conserved. In addition, this alteration is predicted to be tolerated by in silico analysis. Since supporting evidence is limited at this time, the clinical significance of this alteration remains unclear.